The following is an entry in ClinVar:

ClinVar aggregate classification (germline): Uncertain significance (1 of 4 stars; one submission).

Submission:

Labcorp Genetics (formerly Invitae), Labcorp
Classification: Uncertain significance. Last evaluated: 2022-02-25. Review status: criteria provided, single submitter. Criteria: Invitae Variant Classification Sherloc (09022015). Collection method: clinical testing. Allele origin: germline.
Comment: This sequence change falls in intron 19 of the CAD gene. It does not directly change the encoded amino acid sequence of the CAD protein. It affects a nucleotide within the consensus splice site. This variant is not present in population databases (gnomAD no frequency). This variant has not been reported in the literature in individuals affected with CAD-related conditions. Variants that disrupt the consensus splice site are a relatively common cause of aberrant splicing (PMID: 17576681, 9536098). Algorithms developed to predict the effect of sequence changes on RNA splicing suggest that this variant is not likely to affect RNA splicing. In summary, the available evidence is currently insufficient to determine the role of this variant in disease. Therefore, it has been classified as a Variant of Uncertain Significance.

Literature cited by the submitters: PubMed 17576681; PubMed 9536098.

NM_004341.5(CAD):c.2991+6G>A

Gene: CAD (carbamoyl-phosphate synthetase 2, aspartate transcarbamylase, and dihydroorotase; plus strand). Cytogenetic location: 2p23.3.
Variant type: single nucleotide variant.
Coding change: c.2991+6G>A on transcript NM_004341.5 (MANE Select); 6 bases into the intron after coding-DNA position 2991, G replaced by A.
Molecular consequence: intron variant.
Genome position (GRCh38, 1-based): chr2:27,233,146, G>A. VCF-style: chr2-27233146-G-A. GRCh37 (hg19) VCF-style: chr2-27456014-G-A.
Other names: c.2802+6G>A (NM_001306079.2).
Identifiers: ClinVar variation 1939809 (VCV001939809.2), dbSNP rs2465328949, ClinGen allele CA2580066270.